The following is an entry in ClinVar:

ClinVar aggregate classification (germline): Uncertain significance. Review status: criteria provided, multiple submitters, no conflicts (2 of 4 stars). 3 submissions from 3 submitters: Uncertain significance (3). Last evaluated 2026-03-31.

Conditions:
SCN11A-related disorder. Also called: SCN11A-related condition.
Inborn genetic diseases. Identifiers: MedGen C0950123, MeSH D030342.
Hereditary sensory and autonomic neuropathy type 7. Also called: HSAN VII; Neuropathy, hereditary sensory and autonomic, type VII. Identifiers: Orphanet 391397, MedGen C3809882, MONDO:0014244, OMIM 615548.
Familial episodic pain syndrome with predominantly lower limb involvement. Also called: Episodic pain syndrome, familial, 3. Identifiers: Orphanet 391384, Orphanet 391392, MedGen C3809899, MONDO:0014247, OMIM 615552.

Allele frequency attached by ClinVar (database versions not stated): gnomAD 0.00003 and 0.00004; gnomAD exomes 0.00003; ExAC 0.00004; TOPMed 0.00005; ESP Exome Variant Server 0.00023.
gnomAD v4.1: 69 of 1,574,134 alleles (0.0044%); highest among the groups gnomAD compares: Non-Finnish European, 0.0055%; no homozygotes.

Submissions (3):

PreventionGenetics, part of Exact Sciences
Classification: Uncertain significance for SCN11A-related condition. Last evaluated: 2026-03-31. Review status: criteria provided, single submitter. Criteria: ACMG Guidelines, 2015. Collection method: clinical testing. Allele origin: germline.
Comment: The SCN11A c.1624C>A variant is predicted to result in the amino acid substitution p.Pro542Thr. To our knowledge, this variant has not been reported in the literature. This variant is reported in 0.0074% of alleles in individuals of Latino descent in gnomAD. At this time, the clinical significance of this variant is uncertain due to the absence of conclusive functional and genetic evidence.

Labcorp Genetics (formerly Invitae), Labcorp
Classification: Uncertain significance for Familial episodic pain syndrome with predominantly lower limb involvement; Hereditary sensory and autonomic neuropathy type 7. Last evaluated: 2024-05-18. Review status: criteria provided, single submitter. Criteria: Invitae Variant Classification Sherloc (09022015). Collection method: clinical testing. Allele origin: germline.
Comment: This sequence change replaces proline, which is neutral and non-polar, with threonine, which is neutral and polar, at codon 542 of the SCN11A protein (p.Pro542Thr). This variant is present in population databases (rs144473860, gnomAD 0.008%). This variant has not been reported in the literature in individuals affected with SCN11A-related conditions. ClinVar contains an entry for this variant (Variation ID: 474692). Advanced modeling of protein sequence and biophysical properties (such as structural, functional, and spatial information, amino acid conservation, physicochemical variation, residue mobility, and thermodynamic stability) performed at Invitae indicates that this missense variant is not expected to disrupt SCN11A protein function with a negative predictive value of 80%. In summary, the available evidence is currently insufficient to determine the role of this variant in disease. Therefore, it has been classified as a Variant of Uncertain Significance.

Ambry Genetics
Classification: Uncertain significance for Inborn genetic diseases. Last evaluated: 2021-07-08. Review status: criteria provided, single submitter. Criteria: Ambry Variant Classification Scheme 2023. Collection method: clinical testing. Allele origin: germline.
Comment: The p.P542T variant (also known as c.1624C>A), located in coding exon 12 of the SCN11A gene, results from a C to A substitution at nucleotide position 1624. The proline at codon 542 is replaced by threonine, an amino acid with highly similar properties. This amino acid position is conserved. In addition, the in silico prediction for this alteration is inconclusive. Since supporting evidence is limited at this time, the clinical significance of this alteration remains unclear.

NM_001349253.2(SCN11A):c.1624C>A (p.Pro542Thr)

Gene: SCN11A (sodium voltage-gated channel alpha subunit 11; minus strand). Cytogenetic location: 3p22.2.
Variant type: single nucleotide variant.
Coding change: c.1624C>A on transcript NM_001349253.2 (MANE Select); coding-DNA position 1624, C replaced by A.
Protein change: p.Pro542Thr; replaces proline 542 with threonine.
Molecular consequence: missense variant.
Genome position (GRCh38, 1-based): chr3:38,904,083, G>T on the plus strand (C>A on the coding strand, the complement: SCN11A is on the minus strand). VCF-style: chr3-38904083-G-T. GRCh37 (hg19) VCF-style: chr3-38945574-G-T.
Other names: c.1624C>A, p.Pro542Thr (NM_014139.3); short protein forms P542T.
Identifiers: ClinVar variation 474692 (VCV000474692.10), dbSNP rs144473860, ClinGen allele CA2322250.